The following is an entry in ClinVar:

ClinVar aggregate classification (germline): Uncertain significance (1 of 4 stars; one submission).

Conditions:
Multiple endocrine neoplasia, type 1 (MEN1). Also called: MEN I; WERMER SYNDROME; Endocrine adenomatosis multiple; MEN 1; MEA I. Identifiers: Orphanet 652, MedGen C0025267, MeSH D018761, MONDO:0007540, OMIM 131100.

Submission:

Labcorp Genetics (formerly Invitae), Labcorp
Classification: Uncertain significance for Multiple endocrine neoplasia, type 1. Last evaluated: 2025-03-07. Review status: criteria provided, single submitter. Criteria: Invitae Variant Classification Sherloc (09022015). Collection method: clinical testing. Allele origin: germline.
Comment: This sequence change replaces threonine, which is neutral and polar, with serine, which is neutral and polar, at codon 346 of the MEN1 protein (p.Thr346Ser). This variant is not present in population databases (gnomAD no frequency). This variant has not been reported in the literature in individuals affected with MEN1-related conditions. ClinVar contains an entry for this variant (Variation ID: 2695997). Invitae Evidence Modeling of protein sequence and biophysical properties (such as structural, functional, and spatial information, amino acid conservation, physicochemical variation, residue mobility, and thermodynamic stability) indicates that this missense variant is not expected to disrupt MEN1 protein function with a negative predictive value of 95%. In summary, the available evidence is currently insufficient to determine the role of this variant in disease. Therefore, it has been classified as a Variant of Uncertain Significance.

NM_001370259.2(MEN1):c.1037C>G (p.Thr346Ser)

Gene: MEN1 (menin 1; minus strand). Cytogenetic location: 11q13.1.
Variant type: single nucleotide variant.
Coding change: c.1037C>G on transcript NM_001370259.2 (MANE Select); coding-DNA position 1037, C replaced by G.
Protein change: p.Thr346Ser; replaces threonine 346 with serine.
Molecular consequence: missense variant. On other transcripts: non-coding transcript variant (4).
Genome position (GRCh38, 1-based): chr11:64,806,244, G>C on the plus strand (C>G on the coding strand, the complement: MEN1 is on the minus strand). VCF-style: chr11-64806244-G-C. GRCh37 (hg19) VCF-style: chr11-64573716-G-C.
Other names: c.1052C>G, p.Thr351Ser (NM_000244.4, NM_001407145.1, NM_001407150.1 and 5 more transcripts); c.1037C>G, p.Thr346Ser (NM_001370251.2, NM_001370260.2, NM_001370261.2 and 7 more transcripts); c.932C>G, p.Thr311Ser (NM_001370262.2, NM_001370263.2, NM_001407148.1 and 2 more transcripts); short protein forms T311S, T346S, T351S.
Identifiers: ClinVar variation 2695997 (VCV002695997.3), dbSNP rs2136117878, ClinGen allele CA381183189.
Genomic context (GRCh38, chr11:64,806,244, plus strand): 5'-GGAGGGGAAGAAAGGACAGGCTGCAGGCCCTAGTAGGGGGATCCTCACTCCTGGATGACA[G>C]TGGCCGTGTCCGCCCAGGCCTGCAGGGCTTCCCGCACATTGCGGTTGCGACAGTGGTAGC-3'
Protein context (NP_001357188.2, residues 336-356): EALQAWADTA[Thr346Ser]VIQDYNYCRE